The following is an entry in ClinVar:

NM_001242896.3(DEPDC5):c.3008A>G (p.Asp1003Gly)

Gene: DEPDC5 (DEP domain containing 5, GATOR1 subcomplex subunit; plus strand). Cytogenetic location: 22q12.3.
Variant type: single nucleotide variant.
Coding change: c.3008A>G on transcript NM_001242896.3 (MANE Select); coding-DNA position 3008, A replaced by G.
Protein change: p.Asp1003Gly; replaces aspartic acid 1003 with glycine.
Molecular consequence: missense variant. On other transcripts: non-coding transcript variant (5).
Genome position (GRCh38, 1-based): chr22:31,845,224, A>G. VCF-style: chr22-31845224-A-G. GRCh37 (hg19) VCF-style: chr22-32241210-A-G.
Other names: c.2981A>G, p.Asp994Gly (NM_001136029.4, NM_001369903.1, NM_014662.6); c.2774A>G, p.Asp925Gly (NM_001242897.2, NM_001363854.2, NM_001364319.2); c.3008A>G, p.Asp1003Gly (NM_001363852.2, NM_001364318.2, NM_001364320.2); c.2924A>G, p.Asp975Gly (NM_001369901.1, NM_001369902.1); short protein forms D1003G, D925G, D975G, D994G.
Identifiers: ClinVar variation 1018737 (VCV001018737.8), dbSNP rs1413417458, ClinGen allele CA411291490.

ClinVar aggregate classification (germline): Uncertain significance (1 of 4 stars; one submission).

Conditions:
Familial focal epilepsy with variable foci (FPEVF). Identifiers: Orphanet 98820, MedGen C1858477, MONDO:0020310.

Allele frequency attached by ClinVar (database versions not stated): gnomAD exomes below 0.00001; TOPMed below 0.00001; gnomAD 0.00001.
gnomAD v4.1: 2 of 1,613,804 alleles (0.00012%); highest among the groups gnomAD compares: Non-Finnish European, 0.000085%; no homozygotes.

Submission:

Labcorp Genetics (formerly Invitae), Labcorp
Classification: Uncertain significance for Familial focal epilepsy with variable foci. Last evaluated: 2025-06-15. Review status: criteria provided, single submitter. Criteria: Invitae Variant Classification Sherloc (09022015). Collection method: clinical testing. Allele origin: germline.
Comment: This sequence change replaces aspartic acid, which is acidic and polar, with glycine, which is neutral and non-polar, at codon 1003 of the DEPDC5 protein (p.Asp1003Gly). This variant is present in population databases (no rsID available, gnomAD 0.0009%). This variant has not been reported in the literature in individuals affected with DEPDC5-related conditions. ClinVar contains an entry for this variant (Variation ID: 1018737). Experimental studies and prediction algorithms are not available or were not evaluated, and the functional significance of this variant is currently unknown. In summary, the available evidence is currently insufficient to determine the role of this variant in disease. Therefore, it has been classified as a Variant of Uncertain Significance.